The following is an entry in ClinVar:

NM_004006.3(DMD):c.8875T>A (p.Ser2959Thr)

Gene: DMD (dystrophin; minus strand). Cytogenetic location: Xp21.2.
Variant type: single nucleotide variant.
Coding change: c.8875T>A on transcript NM_004006.3 (MANE Select); coding-DNA position 8875, T replaced by A.
Protein change: p.Ser2959Thr; replaces serine 2959 with threonine.
Molecular consequence: missense variant.
Genome position (GRCh38, 1-based): chrX:31,478,168, A>T on the plus strand (T>A on the coding strand, the complement: DMD is on the minus strand). VCF-style: chrX-31478168-A-T. GRCh37 (hg19) VCF-style: chrX-31496285-A-T.
Other names: c.8851T>A, p.Ser2951Thr (NM_000109.4); c.8863T>A, p.Ser2955Thr (NM_004009.3); c.8506T>A, p.Ser2836Thr (NM_004010.3); c.4852T>A, p.Ser1618Thr (NM_004011.4); c.4843T>A, p.Ser1615Thr (NM_004012.4); c.1495T>A, p.Ser499Thr (NM_004013.3, NM_004020.4, NM_004021.3 and 2 more transcripts); c.688T>A, p.Ser230Thr (NM_004014.3); short protein forms S1618T, S2955T, S2959T, S1615T, S230T, S2951T, S2836T, S499T.
Identifiers: ClinVar variation 2717560 (VCV002717560.4), dbSNP rs775546982, ClinGen allele CA328434406.

ClinVar aggregate classification (germline): Conflicting classifications of pathogenicity. Review status: criteria provided, conflicting classifications (1 of 4 stars). 2 submissions from 2 submitters: Uncertain significance (1); Likely benign (1). Last evaluated 2025-12-15.

Conditions:
Cardiovascular phenotype. Identifiers: MedGen CN230736.
Duchenne muscular dystrophy (DMD). Also called: MUSCULAR DYSTROPHY, PSEUDOHYPERTROPHIC PROGRESSIVE, DUCHENNE TYPE; Duchenne Muscular Dystrophy (DMD). Identifiers: Orphanet 98896, MedGen C0013264, MONDO:0010679, OMIM 310200.

Allele frequency attached by ClinVar (database versions not stated): gnomAD exomes 0.00001; TOPMed 0.00001.
gnomAD v4.1: 8 of 1,211,023 alleles (0.00066%); highest among the groups gnomAD compares: Non-Finnish European, 0.00089%; no homozygotes.

Submissions (2):

Labcorp Genetics (formerly Invitae), Labcorp
Classification: Uncertain significance for Duchenne muscular dystrophy. Last evaluated: 2025-12-15. Review status: criteria provided, single submitter. Criteria: Invitae Variant Classification Sherloc (09022015). Collection method: clinical testing. Allele origin: germline.
Comment: This sequence change replaces serine, which is neutral and polar, with threonine, which is neutral and polar, at codon 2959 of the DMD protein (p.Ser2959Thr). This variant is not present in population databases (gnomAD no frequency). This variant has not been reported in the literature in individuals affected with DMD-related conditions. ClinVar contains an entry for this variant (Variation ID: 2717560). Invitae Evidence Modeling of protein sequence and biophysical properties (such as structural, functional, and spatial information, amino acid conservation, physicochemical variation, residue mobility, and thermodynamic stability) indicates that this missense variant is not expected to disrupt DMD protein function with a negative predictive value of 95%. In summary, the available evidence is currently insufficient to determine the role of this variant in disease. Therefore, it has been classified as a Variant of Uncertain Significance.

Ambry Genetics
Classification: Likely benign for Cardiovascular phenotype. Last evaluated: 2025-09-20. Review status: criteria provided, single submitter. Criteria: Ambry Variant Classification Scheme 2023. Collection method: clinical testing. Allele origin: germline.